The following is an entry in ClinVar:

NM_024589.3(ROGDI):c.1A>G (p.Met1Val)

Gene: ROGDI (rogdi atypical leucine zipper; minus strand). Cytogenetic location: 16p13.3.
Variant type: single nucleotide variant.
Coding change: c.1A>G on transcript NM_024589.3 (MANE Select); coding-DNA position 1, A replaced by G.
Protein change: p.Met1Val; changes the start codon (methionine 1).
Molecular consequence: missense variant, initiator codon variant. On other transcripts: non-coding transcript variant (1).
Genome position (GRCh38, 1-based): chr16:4,802,571, T>C on the plus strand (A>G on the coding strand, the complement: ROGDI is on the minus strand). VCF-style: chr16-4802571-T-C. GRCh37 (hg19) VCF-style: chr16-4852572-T-C.
Other names: short protein forms M1V.
Identifiers: ClinVar variation 1044041 (VCV001044041.9), dbSNP rs2082747732, ClinGen allele CA394657017.

ClinVar aggregate classification (germline): Uncertain significance (1 of 4 stars; one submission).

Conditions:
Amelocerebrohypohidrotic syndrome (KTZS). Also called: Kohlschutter's syndrome; KOHLSCHUTTER SYNDROME; EPILEPSY AND YELLOW TEETH; EPILEPSY, DEMENTIA, AND AMELOGENESIS IMPERFECTA. Identifiers: Orphanet 1946, MedGen C0406740, MONDO:0009185, OMIM 226750.

Submission:

Labcorp Genetics (formerly Invitae), Labcorp
Classification: Uncertain significance for Amelocerebrohypohidrotic syndrome. Last evaluated: 2023-08-04. Review status: criteria provided, single submitter. Criteria: Invitae Variant Classification Sherloc (09022015). Collection method: clinical testing. Allele origin: germline.
Comment: This variant is not present in population databases (gnomAD no frequency). ClinVar contains an entry for this variant (Variation ID: 1044041). This variant has not been reported in the literature in individuals affected with ROGDI-related conditions. This sequence change affects the initiator methionine of the ROGDI mRNA. The next in-frame methionine is located at codon 5. In summary, the available evidence is currently insufficient to determine the role of this variant in disease. Therefore, it has been classified as a Variant of Uncertain Significance.